The following is an entry in ClinVar:

ClinVar aggregate classification (germline): Pathogenic/Likely pathogenic. Review status: criteria provided, multiple submitters, no conflicts (2 of 4 stars). 2 submissions from 2 submitters: Pathogenic (1); Likely pathogenic (1). Last evaluated 2026-09-24.

Conditions:
PCNT-related disorder. Also called: PCNT-related condition.

Submissions (2):

PreventionGenetics, part of Exact Sciences
Classification: Likely pathogenic for PCNT-related condition. Last evaluated: 2026-09-24. Review status: criteria provided, single submitter. Criteria: ACMG Guidelines, 2015. Collection method: clinical testing. Allele origin: germline.
Comment: The PCNT c.7272delG variant is predicted to result in a frameshift and premature protein termination (p.Lys2425Argfs*106). To our knowledge, this variant has not been reported in the literature. This variant is reported in 0.011% of alleles in individuals of African descent in gnomAD. Frameshift variants in PCNT are expected to be pathogenic. This variant is interpreted as likely pathogenic.

Labcorp Genetics (formerly Invitae), Labcorp
Classification: Pathogenic. Last evaluated: 2023-09-14. Review status: criteria provided, single submitter. Criteria: Invitae Variant Classification Sherloc (09022015). Collection method: clinical testing. Allele origin: germline.
Comment: This sequence change creates a premature translational stop signal (p.Lys2425Argfs*106) in the PCNT gene. It is expected to result in an absent or disrupted protein product. Loss-of-function variants in PCNT are known to be pathogenic (PMID: 18174396, 22821869). This variant is present in population databases (no rsID available, gnomAD 0.01%). For these reasons, this variant has been classified as Pathogenic. This variant has not been reported in the literature in individuals affected with PCNT-related conditions.

Literature cited by the submitters: PubMed 18174396 (cited by Labcorp Genetics (formerly Invitae), Labcorp); PubMed 22821869 (cited by Labcorp Genetics (formerly Invitae), Labcorp).

NM_006031.6(PCNT):c.7272del (p.Lys2425fs)

Gene: PCNT (pericentrin; plus strand). Cytogenetic location: 21q22.3.
Variant type: Deletion.
Coding change: c.7272del on transcript NM_006031.6 (MANE Select); coding-DNA position 7272, one base deleted (G; older notation c.7272delG).
Protein change: p.Lys2425fs; shifts the reading frame from lysine 2425.
Molecular consequence: frameshift variant.
Genome position (GRCh38, 1-based): chr21:46,425,923, G deleted; the last of 2 consecutive G bases (chr21:46,425,922-46,425,923); deleting either gives the same sequence. VCF-style (leftmost placement, unchanged base first): chr21-46425921-CG-C. GRCh37 (hg19) VCF-style: chr21-47845835-CG-C.
Other names: c.7272delG (NM_006031.5); c.6918del, p.Lys2307fs (NM_001315529.2); short protein forms K2425fs, K2307fs.
Identifiers: ClinVar variation 2760645 (VCV002760645.4), dbSNP rs959180861, ClinGen allele CA322009149.